The following is an entry in ClinVar:

ClinVar aggregate classification (germline): conflicting data from submitters (0 of 4 stars; one submission).

Submission:

ISCA site 4
Classification: conflicting data from submitters. Last evaluated: 2012-09-21. Review status: no assertion criteria provided. Collection method: clinical testing. Allele origin: maternal, unknown. Affected: yes. Observed: 2 variant alleles.
Comment: Uncertain significance(1), Benign (1)

Copy number variation identified through the course of routine clinical cytogenomic testing in postnatal populations, with clinical assertions as classified by the original submitter.

GRCh38/hg38 12p11.23-11.22(chr12:27153357-27607134)x1

Genes: BMAL2 (basic helix-loop-helix ARNT like 2; plus strand), BMAL2-AS1 (BMAL2 antisense RNA 1; minus strand), PPFIBP1 (PPFIA binding protein 1; plus strand), SMCO2 (single-pass membrane protein with coiled-coil domains 2; plus strand), STK38L (serine/threonine kinase 38 like; plus strand) and 24 more. Cytogenetic location: 12p11.23-11.22.
Variant type: copy number loss.
Change: copy number 1 (one copy instead of two) of chr12:27,153,357-27,607,134 (453.8 kb, GRCh38 coordinates, 1-based), cytogenetic band 12p11.23-11.22.
Identifiers: ClinVar variation 145487 (VCV000145487.2).